The following is an entry in ClinVar:

ClinVar aggregate classification (germline): Uncertain significance. Review status: criteria provided, multiple submitters, no conflicts (2 of 4 stars). 2 submissions from 2 submitters: Uncertain significance (2). Last evaluated 2022-02-24.

Conditions:
Gorlin syndrome. Also called: Basal cell nevus syndrome; Nevoid Basal Cell Carcinoma Syndrome. Identifiers: Orphanet 377, MedGen C0004779, MONDO:0007187.

Submissions (2):

Labcorp Genetics (formerly Invitae), Labcorp
Classification: Uncertain significance for Gorlin syndrome. Last evaluated: 2022-02-24. Review status: criteria provided, single submitter. Criteria: Invitae Variant Classification Sherloc (09022015). Collection method: clinical testing. Allele origin: germline.
Comment: In summary, the available evidence is currently insufficient to determine the role of this variant in disease. Therefore, it has been classified as a Variant of Uncertain Significance. Algorithms developed to predict the effect of missense changes on protein structure and function are either unavailable or do not agree on the potential impact of this missense change (SIFT: "Deleterious"; PolyPhen-2: "Probably Damaging"; Align-GVGD: "Class C0"). This variant has not been reported in the literature in individuals affected with PTCH1-related conditions. This variant is not present in population databases (gnomAD no frequency). This sequence change replaces serine, which is neutral and polar, with phenylalanine, which is neutral and non-polar, at codon 937 of the PTCH1 protein (p.Ser937Phe).

GeneDx
Classification: Uncertain significance. Last evaluated: 2022-01-06. Review status: criteria provided, single submitter. Criteria: GeneDx Variant Classification Process June 2021. Collection method: clinical testing. Allele origin: germline. Affected: yes.
Comment: Not observed at significant frequency in large population cohorts (gnomAD); In silico analysis supports that this missense variant has a deleterious effect on protein structure/function; Has not been previously published as pathogenic or benign to our knowledge; This variant is associated with the following publications: (PMID: 8906794)

NM_000264.5(PTCH1):c.2810C>T (p.Ser937Phe)

Gene: PTCH1 (patched 1; minus strand). Cytogenetic location: 9q22.32.
Variant type: single nucleotide variant.
Coding change: c.2810C>T on transcript NM_000264.5 (MANE Select); coding-DNA position 2810, C replaced by T.
Protein change: p.Ser937Phe; replaces serine 937 with phenylalanine.
Molecular consequence: missense variant. On other transcripts: non-coding transcript variant (1).
Genome position (GRCh38, 1-based): chr9:95,459,677, G>A on the plus strand (C>T on the coding strand, the complement: PTCH1 is on the minus strand). VCF-style: chr9-95459677-G-A. GRCh37 (hg19) VCF-style: chr9-98221959-G-A.
Other names: c.2612C>T, p.Ser871Phe (NM_001083602.3); c.2807C>T, p.Ser936Phe (NM_001083603.3); c.2357C>T, p.Ser786Phe (NM_001083604.3, NM_001083605.3, NM_001083606.3 and 1 more transcripts); c.2654C>T, p.Ser885Phe (NM_001354918.2); short protein forms S786F, S937F, S885F, S871F, S936F.
Identifiers: ClinVar variation 1438162 (VCV001438162.9), dbSNP rs1839284772, ClinGen allele CA374113030.